The following is an entry in ClinVar:

NM_001273.5(CHD4):c.4429A>C (p.Thr1477Pro)

Genes: CHD4 (chromodomain helicase DNA binding protein 4; minus strand), CHD4-AS1 (CHD4 antisense RNA 1; plus strand). Cytogenetic location: 12p13.31.
Variant type: single nucleotide variant.
Coding change: c.4429A>C on transcript NM_001273.5 (MANE Select); coding-DNA position 4429, A replaced by C.
Protein change: p.Thr1477Pro; replaces threonine 1477 with proline.
Molecular consequence: missense variant.
Genome position (GRCh38, 1-based): chr12:6,582,223, T>G on the plus strand (A>C on the coding strand, the complement: CHD4 is on the minus strand). VCF-style: chr12-6582223-T-G. GRCh37 (hg19) VCF-style: chr12-6691389-T-G.
Other names: c.4408A>C, p.Thr1470Pro (NM_001297553.2); c.4390A>C, p.Thr1464Pro (NM_001363606.2); short protein forms T1464P, T1470P, T1477P.
Identifiers: ClinVar variation 3778585 (VCV003778585.7).

ClinVar aggregate classification (germline): Uncertain significance (1 of 4 stars; one submission).

Submission:

CeGaT Center for Human Genetics Tuebingen
Classification: Uncertain significance. Last evaluated: 2025-03-01. Review status: criteria provided, single submitter. Criteria: CeGaT Center For Human Genetics Tuebingen Variant Classification Criteria Version 2. Collection method: clinical testing. Allele origin: germline. Affected: yes. Observed: 1 variant allele.
Comment: CHD4: PM2, PP2, PP3, PS2:Supporting